The following is an entry in ClinVar:

ClinVar aggregate classification (germline): Likely benign (1 of 4 stars; one submission).

Allele frequency attached by ClinVar (database versions not stated): TOPMed 0.00012; gnomAD 0.00042; ExAC 0.00155; 1000 Genomes Project 30x 0.00156; 1000 Genomes Project 0.00200.

Submission:

CeGaT Center for Human Genetics Tuebingen
Classification: Likely benign. Last evaluated: 2022-11-01. Review status: criteria provided, single submitter. Criteria: CeGaT Center For Human Genetics Tuebingen Variant Classification Criteria Version 2. Collection method: clinical testing. Allele origin: germline. Affected: yes. Observed: 1 variant allele.
Comment: ATP6AP1L: BP4, BP7, BS2

NM_001386093.1(ATP6AP1L):c.681A>G (p.Gln227=)

Gene: ATP6AP1L (ATPase H+ transporting accessory protein 1 like; plus strand). Cytogenetic location: 5q14.2.
Variant type: single nucleotide variant.
Coding change: c.681A>G on transcript NM_001386093.1; coding-DNA position 681, A replaced by G.
Protein change: p.Gln227=; no amino-acid change (glutamine 227 retained).
Molecular consequence: synonymous variant. On other transcripts: non-coding transcript variant (19).
Genome position (GRCh38, 1-based): chr5:82,318,003, A>G. VCF-style: chr5-82318003-A-G. GRCh37 (hg19) VCF-style: chr5-81613822-A-G.
Identifiers: ClinVar variation 2655575 (VCV002655575.24), dbSNP rs553279470, ClinGen allele CA3331780.